The following is an entry in ClinVar:

ClinVar aggregate classification (germline): Uncertain significance (1 of 4 stars; one submission).

Conditions:
Retinitis pigmentosa 20 (RP20). Identifiers: Orphanet 791, MedGen C3151086, MONDO:0013425, OMIM 613794.

gnomAD v4.1: 1 of 1,613,532 alleles (0.000062%); highest among the groups gnomAD compares: South Asian, 0.0011%; no homozygotes.

Submission:

Foundation for Research in Genetics and Endocrinology, FRIGE's Institute of Human Genetics
Classification: Uncertain significance for Retinitis pigmentosa 20. Last evaluated: 2021-02-13. Review status: criteria provided, single submitter. Criteria: ACMG Guidelines, 2015. Collection method: clinical testing. Allele origin: germline. Inheritance: Autosomal recessive inheritance. Affected: yes. Observed: 1 variant allele, 1 homozygote.
Comment: A homozygous 3' splice variation in intron 6 of the RPE65 gene that affects the position 5 nucleotide upstream of acceptor splice site of exon 6. The observed variant c.644-5T>A (3'splice site) has not been reported in the 1000 genomes and gnomAD databases. The in silico prediction of the variant is damaging by MutationTaster2. The reference base is conserved across species. In summary, the variant meets our criteria to be classified as a variant of uncertain significance.

NM_000329.3(RPE65):c.644-5T>A

Gene: RPE65 (retinoid isomerohydrolase RPE65; minus strand). Cytogenetic location: 1p31.3.
Variant type: single nucleotide variant.
Coding change: c.644-5T>A on transcript NM_000329.3 (MANE Select); 5 bases into the intron before coding-DNA position 644, T replaced by A.
Molecular consequence: intron variant.
Genome position (GRCh38, 1-based): chr1:68,439,647, A>T on the plus strand (T>A on the coding strand, the complement: RPE65 is on the minus strand). VCF-style: chr1-68439647-A-T. GRCh37 (hg19) VCF-style: chr1-68905330-A-T.
Identifiers: ClinVar variation 1098418 (VCV001098418.3), dbSNP rs2100819923, ClinGen allele CA2499214844.
Genomic context (GRCh38, chr1:68,439,647, plus strand): 5'-GTCACTGCAGGGGAATTGTACAACGATCTCTGACTTGCTTATTGGATCTTCCTTGTCTGA[A>T]ATAAAGTGGTTTTAAAAGGCTTTGGAAGAGCCTCTTATTTTTTTTTTAATACAAAGCATT-3'